The following is an entry in ClinVar:

ClinVar aggregate classification (germline): Uncertain significance. Review status: criteria provided, multiple submitters, no conflicts (2 of 4 stars). 3 submissions from 3 submitters: Uncertain significance (3). Last evaluated 2026-01-31.

Conditions:
Renal cell carcinoma. Identifiers: Orphanet 217071, MedGen C0007134, MeSH D002292, MONDO:0005086, HP:0005584.
Hereditary cancer-predisposing syndrome. Also called: Hereditary Cancer Syndrome; Hereditary neoplastic syndrome; Neoplastic Syndromes, Hereditary; Tumor predisposition. Identifiers: Orphanet 140162, MedGen C0027672, MeSH D009386, MONDO:0015356.

Allele frequency attached by ClinVar (database versions not stated): ExAC 0.00001; gnomAD exomes 0.00001 and 0.00002; TOPMed 0.00001.
gnomAD v4.1: 8 of 1,614,114 alleles (0.0005%); highest among the groups gnomAD compares: Non-Finnish European, 0.00068%; no homozygotes.

Submissions (3):

Labcorp Genetics (formerly Invitae), Labcorp
Classification: Uncertain significance for Renal cell carcinoma. Last evaluated: 2026-01-31. Review status: criteria provided, single submitter. Criteria: Invitae Variant Classification Sherloc (09022015). Collection method: clinical testing. Allele origin: germline.
Comment: This sequence change replaces glycine, which is neutral and non-polar, with glutamic acid, which is acidic and polar, at codon 448 of the MET protein (p.Gly448Glu). This variant is present in population databases (rs750256779, gnomAD 0.004%). This variant has not been reported in the literature in individuals affected with MET-related conditions. ClinVar contains an entry for this variant (Variation ID: 454182). Invitae Evidence Modeling of protein sequence and biophysical properties (such as structural, functional, and spatial information, amino acid conservation, physicochemical variation, residue mobility, and thermodynamic stability) indicates that this missense variant is not expected to disrupt MET protein function with a negative predictive value of 80%. In summary, the available evidence is currently insufficient to determine the role of this variant in disease. Therefore, it has been classified as a Variant of Uncertain Significance.

Center for Genomic Medicine, Rigshospitalet, Copenhagen University Hospital
Classification: Uncertain significance. Last evaluated: 2025-03-04. Review status: criteria provided, single submitter. Criteria: ACMG Guidelines, 2015. Collection method: clinical testing. Allele origin: germline.

Ambry Genetics
Classification: Uncertain significance for Hereditary cancer-predisposing syndrome. Last evaluated: 2022-12-28. Review status: criteria provided, single submitter. Criteria: Ambry Variant Classification Scheme 2023. Collection method: clinical testing. Allele origin: germline.
Comment: The p.G448E variant (also known as c.1343G>A), located in coding exon 2 of the MET gene, results from a G to A substitution at nucleotide position 1343. The glycine at codon 448 is replaced by glutamic acid, an amino acid with similar properties. This amino acid position is highly conserved in available vertebrate species. In addition, this alteration is predicted to be tolerated by in silico analysis. Since supporting evidence is limited at this time, the clinical significance of this alteration remains unclear.

NM_000245.4(MET):c.1343G>A (p.Gly448Glu)

Gene: MET (MET proto-oncogene, receptor tyrosine kinase; plus strand). Cytogenetic location: 7q31.2.
Variant type: single nucleotide variant.
Coding change: c.1343G>A on transcript NM_000245.4 (MANE Select); coding-DNA position 1343, G replaced by A.
Protein change: p.Gly448Glu; replaces glycine 448 with glutamic acid.
Molecular consequence: missense variant.
Genome position (GRCh38, 1-based): chr7:116,731,810, G>A. VCF-style: chr7-116731810-G-A. GRCh37 (hg19) VCF-style: chr7-116371864-G-A.
Other names: c.1343G>A, p.Gly448Glu (NM_001127500.3, NM_001324401.3); c.53G>A, p.Gly18Glu (NM_001324402.2); short protein forms G448E, G18E.
Identifiers: ClinVar variation 454182 (VCV000454182.15), dbSNP rs750256779, ClinGen allele CA4448136.